The following is an entry in ClinVar:

NM_001927.4(DES):c.167T>A (p.Val56Glu)

Gene: DES (desmin; plus strand). Cytogenetic location: 2q35.
Variant type: single nucleotide variant.
Coding change: c.167T>A on transcript NM_001927.4 (MANE Select); coding-DNA position 167, T replaced by A.
Protein change: p.Val56Glu; replaces valine 56 with glutamic acid.
Molecular consequence: missense variant.
Genome position (GRCh38, 1-based): chr2:219,418,629, T>A. VCF-style: chr2-219418629-T-A. GRCh37 (hg19) VCF-style: chr2-220283351-T-A.
Other names: short protein forms V56E.
Identifiers: ClinVar variation 500483 (VCV000500483.22), dbSNP rs1170549656, ClinGen allele CA350683551.

ClinVar aggregate classification (germline): Uncertain significance. Review status: criteria provided, multiple submitters, no conflicts (2 of 4 stars). 7 submissions from 7 submitters: Uncertain significance (7). Last evaluated 2025-12-15.

Conditions:
Desmin-related myofibrillar myopathy (MFM1). Also called: Myofibrillar myopathy 1; Desminopathy; Desmin related myopathy (former name); Desmin storage myopathy (former name); MYOFIBRILLAR MYOPATHY WITH ARRHYTHMOGENIC RIGHT VENTRICULAR CARDIOMYOPATHY; DESMIN-RELATED MYOPATHY WITH ARRHYTHMOGENIC RIGHT VENTRICULAR CARDIOMYOPATHY. Identifiers: Orphanet 363543, Orphanet 98909, MedGen C1832370, MONDO:0011076, OMIM 601419.
Cardiovascular phenotype. Identifiers: MedGen CN230736.
Dilated cardiomyopathy 1I (CMD1I). Identifiers: Orphanet 154, MedGen C1858154, MONDO:0011482, OMIM 604765.
Neurogenic scapuloperoneal syndrome, Kaeser type (SCPNK). Also called: KAESER SYNDROME. Identifiers: Orphanet 85146, MedGen C1867005, MONDO:0008407, OMIM 181400.

Allele frequency attached by ClinVar (database versions not stated): gnomAD exomes below 0.00001; TOPMed 0.00001; gnomAD 0.00002.

Submissions (7):

Labcorp Genetics (formerly Invitae), Labcorp
Classification: Uncertain significance for Desmin-related myofibrillar myopathy. Last evaluated: 2025-12-15. Review status: criteria provided, single submitter. Criteria: Invitae Variant Classification Sherloc (09022015). Collection method: clinical testing. Allele origin: germline.
Comment: This sequence change replaces valine, which is neutral and non-polar, with glutamic acid, which is acidic and polar, at codon 56 of the DES protein (p.Val56Glu). This variant is present in population databases (no rsID available, gnomAD 0.007%). This missense change has been observed in individual(s) with clinical features of DES-related conditions (PMID: 21520333). ClinVar contains an entry for this variant (Variation ID: 500483). Invitae Evidence Modeling of protein sequence and biophysical properties (such as structural, functional, and spatial information, amino acid conservation, physicochemical variation, residue mobility, and thermodynamic stability) has been performed for this missense variant. However, the output from this modeling did not meet the statistical confidence thresholds required to predict the impact of this variant on DES protein function. In summary, the available evidence is currently insufficient to determine the role of this variant in disease. Therefore, it has been classified as a Variant of Uncertain Significance.

Ambry Genetics
Classification: Uncertain significance for Cardiovascular phenotype. Last evaluated: 2025-08-20. Review status: criteria provided, single submitter. Criteria: Ambry Variant Classification Scheme 2023. Collection method: clinical testing. Allele origin: germline.
Comment: The p.V56E variant (also known as c.167T>A), located in coding exon 1 of the DES gene, results from a T to A substitution at nucleotide position 167. The valine at codon 56 is replaced by glutamic acid, an amino acid with dissimilar properties. This amino acid position is conserved. In addition, this alteration is predicted to be deleterious by in silico analysis. Since supporting evidence is limited at this time, the clinical significance of this alteration remains unclear.

GeneDx
Classification: Uncertain significance. Last evaluated: 2022-04-06. Review status: criteria provided, single submitter. Criteria: GeneDx Variant Classification Process June 2021. Collection method: clinical testing. Allele origin: germline. Affected: yes.
Comment: Has not been previously published as pathogenic or benign to our knowledge; In silico analysis supports that this missense variant does not alter protein structure/function; This variant is associated with the following publications: (PMID: 26807690)

Fulgent Genetics
Classification: Uncertain significance for Neurogenic scapuloperoneal syndrome, Kaeser type; Desmin-related myofibrillar myopathy; Dilated cardiomyopathy 1I. Last evaluated: 2021-09-15. Review status: criteria provided, single submitter. Criteria: ACMG Guidelines, 2015. Collection method: clinical testing. Allele origin: unknown.

Women's Health and Genetics/Laboratory Corporation of America, LabCorp
Classification: Uncertain significance. Last evaluated: 2021-08-30. Review status: criteria provided, single submitter. Criteria: LabCorp Variant Classification Summary - May 2015. Collection method: clinical testing. Allele origin: germline.
Comment: Variant summary: DES c.167T>A (p.Val56Glu) results in a non-conservative amino acid change located in the Intermediate filament head, DNA-binding domain (IPR006821) of the encoded protein sequence. Four of five in-silico tools predict a damaging effect of the variant on protein function. The variant allele was found at a frequency of 2e-05 in 150664 control chromosomes (gnomAD v3.1 genomes dataset). The available data on variant occurrences in the general population are insufficient to allow any conclusion about variant significance. To our knowledge, no occurrence of c.167T>A in individuals affected with Dilated Cardiomyopathy and no experimental evidence demonstrating its impact on protein function have been reported. Two clinical diagnostic laboratories have submitted clinical-significance assessments for this variant to ClinVar after 2014 without evidence for independent evaluation, and classified the variant as uncertain significance. Based on the evidence outlined above, the variant was classified as uncertain significance.

Revvity Omics, Revvity
Classification: Uncertain significance. Last evaluated: 2019-04-18. Review status: criteria provided, single submitter. Criteria: ACMG Guidelines, 2015. Collection method: clinical testing. Allele origin: germline.

Eurofins Ntd Llc (ga)
Classification: Uncertain significance. Last evaluated: 2017-02-23. Review status: criteria provided, single submitter. Criteria: EGL Classification Definitions 2015. Collection method: clinical testing. Allele origin: germline. Observed: 1 variant allele, 1 heterozygote.

Literature cited by the submitters: PubMed 21520333 (cited by Labcorp Genetics (formerly Invitae), Labcorp).